The following is an entry in ClinVar:

ClinVar aggregate classification (germline): Uncertain significance. Review status: criteria provided, multiple submitters, no conflicts (2 of 4 stars). 3 submissions from 3 submitters: Uncertain significance (3). Last evaluated 2025-08-08.

Conditions:
COL4A2-related disorder. Also called: COL4A2-related disorders; COL4A2-related condition.
Inborn genetic diseases. Identifiers: MedGen C0950123, MeSH D030342.

gnomAD v4.1: 1 of 1,614,076 alleles (0.000062%); highest among the groups gnomAD compares: Admixed American, 0.0017%; no homozygotes.

Submissions (3):

PreventionGenetics, part of Exact Sciences
Classification: Uncertain significance for COL4A2-related condition. Last evaluated: 2025-08-08. Review status: criteria provided, single submitter. Criteria: ACMG Guidelines, 2015. Collection method: clinical testing. Allele origin: germline.
Comment: The COL4A2 c.734T>G variant is predicted to result in the amino acid substitution p.Val245Gly. To our knowledge, this variant has not been reported in the literature or in a large population database (gnomAD), indicating this variant is rare. At this time, the clinical significance of this variant is uncertain due to the absence of conclusive functional and genetic evidence.

Ambry Genetics
Classification: Uncertain significance for Inborn genetic diseases. Last evaluated: 2025-05-25. Review status: criteria provided, single submitter. Criteria: Ambry Variant Classification Scheme 2023. Collection method: clinical testing. Allele origin: germline.

Labcorp Genetics (formerly Invitae), Labcorp
Classification: Uncertain significance. Last evaluated: 2022-08-09. Review status: criteria provided, single submitter. Criteria: Invitae Variant Classification Sherloc (09022015). Collection method: clinical testing. Allele origin: germline.
Comment: Advanced modeling of protein sequence and biophysical properties (such as structural, functional, and spatial information, amino acid conservation, physicochemical variation, residue mobility, and thermodynamic stability) performed at Invitae indicates that this missense variant is not expected to disrupt COL4A2 protein function. This sequence change replaces valine, which is neutral and non-polar, with glycine, which is neutral and non-polar, at codon 245 of the COL4A2 protein (p.Val245Gly). This variant is not present in population databases (gnomAD no frequency). This variant has not been reported in the literature in individuals affected with COL4A2-related conditions. In summary, the available evidence is currently insufficient to determine the role of this variant in disease. Therefore, it has been classified as a Variant of Uncertain Significance.

NM_001846.4(COL4A2):c.734T>G (p.Val245Gly)

Gene: COL4A2 (collagen type IV alpha 2 chain; plus strand). Cytogenetic location: 13q34.
Variant type: single nucleotide variant.
Coding change: c.734T>G on transcript NM_001846.4 (MANE Select); coding-DNA position 734, T replaced by G.
Protein change: p.Val245Gly; replaces valine 245 with glycine.
Molecular consequence: missense variant.
Genome position (GRCh38, 1-based): chr13:110,436,276, T>G. VCF-style: chr13-110436276-T-G. GRCh37 (hg19) VCF-style: chr13-111088623-T-G.
Other names: c.734T>G (NM_001846.3, NM_001846.2); short protein forms V245G.
Identifiers: ClinVar variation 1960969 (VCV001960969.7), dbSNP rs746759612, ClinGen allele CA256286670.
Genomic context (GRCh38, chr13:110,436,276, plus strand): 5'-TTTGTAGTTTCCTTTCGATTTAAAGACAACTGCTTTTGCTTAACAATATGCAGGGTGACG[T>G]AGGGCAGCCGGGACCCAACGGGATTCCATCAGACACCCTCCACCCCATCATCGCGCCCAC-3'
Protein context (NP_001837.2, residues 235-255): FYGVKGEKGD[Val245Gly]GQPGPNGIPS